The following is an entry in ClinVar:

ClinVar aggregate classification (germline): Conflicting classifications of pathogenicity. Review status: criteria provided, conflicting classifications (1 of 4 stars). 7 submissions from 7 submitters: Uncertain significance (1); Benign (3); Likely benign (1). 2 of the submissions do not count toward it. Last evaluated 2026-03-01.

Allele frequency attached by ClinVar (database versions not stated): 1000 Genomes Project 30x 0.00234; 1000 Genomes Project 0.00240; ExAC 0.00418; gnomAD 0.00722 and 0.00748; gnomAD exomes 0.00724; TOPMed 0.00761.
gnomAD v4.1: 13,006 of 1,550,192 alleles (0.84%); highest among the groups gnomAD compares: Admixed American, 1.4%; 74 homozygotes.

Submissions (7):

CeGaT Center for Human Genetics Tuebingen
Classification: Benign. Last evaluated: 2026-03-01. Review status: criteria provided, single submitter. Criteria: CeGaT Center For Human Genetics Tuebingen Variant Classification Criteria Version 2. Collection method: clinical testing. Allele origin: germline. Affected: yes. Observed: 8 variant alleles.
Comment: PIEZO1: PP3, BS1, BS2

Labcorp Genetics (formerly Invitae), Labcorp
Classification: Benign. Last evaluated: 2026-01-16. Review status: criteria provided, single submitter. Criteria: Invitae Variant Classification Sherloc (09022015). Collection method: clinical testing. Allele origin: germline.

Mayo Clinic Laboratories, Mayo Clinic
Classification: Uncertain significance. Last evaluated: 2025-10-28. Review status: criteria provided, single submitter. Criteria: ACMG Guidelines, 2015. Collection method: clinical testing. Allele origin: germline. Observed: 50 variant alleles.

Center for Genomic Medicine, Rigshospitalet, Copenhagen University Hospital
Classification: Benign. Last evaluated: 2025-03-04. Review status: criteria provided, single submitter. Criteria: ACMG Guidelines, 2015. Collection method: clinical testing. Allele origin: germline.

ARUP Laboratories, Molecular Genetics and Genomics, ARUP Laboratories
Classification: Likely benign. Last evaluated: 2025-01-06. Review status: criteria provided, single submitter. Criteria: ARUP Molecular Germline Variant Investigation Process 2024. Collection method: clinical testing. Allele origin: germline.

Genome Diagnostics Laboratory, University Medical Center Utrecht
Classification: Likely benign. Review status: no assertion criteria provided. Collection method: clinical testing. Allele origin: germline. Affected: yes. Study: VKGL Data-share Consensus. Not counted in ClinVar's aggregate classification.

Laboratory of Diagnostic Genome Analysis, Leiden University Medical Center (LUMC)
Classification: Likely benign. Review status: no assertion criteria provided. Collection method: clinical testing. Allele origin: germline. Affected: yes. Study: VKGL Data-share Consensus. Not counted in ClinVar's aggregate classification.

Literature cited by the submitters: PubMed 29786897 (cited by Mayo Clinic Laboratories, Mayo Clinic); PubMed 30655378 (cited by Mayo Clinic Laboratories, Mayo Clinic); PubMed 34201899 (cited by Mayo Clinic Laboratories, Mayo Clinic); PubMed 39249600 (cited by Mayo Clinic Laboratories, Mayo Clinic).

NM_001142864.4(PIEZO1):c.7529C>T (p.Pro2510Leu)

Gene: PIEZO1 (piezo type mechanosensitive ion channel component 1 (Er blood group); minus strand). Cytogenetic location: 16q24.3.
Variant type: single nucleotide variant.
Coding change: c.7529C>T on transcript NM_001142864.4 (MANE Select); coding-DNA position 7529, C replaced by T.
Protein change: p.Pro2510Leu; replaces proline 2510 with leucine.
Molecular consequence: missense variant.
Genome position (GRCh38, 1-based): chr16:88,715,642, G>A on the plus strand (C>T on the coding strand, the complement: PIEZO1 is on the minus strand). VCF-style: chr16-88715642-G-A. GRCh37 (hg19) VCF-style: chr16-88782050-G-A.
Other names: c.7529C>T, p.Pro2510Leu (LRG_1137t1); short protein forms P2510L.
Identifiers: ClinVar variation 618787 (VCV000618787.58), dbSNP rs61745086, ClinGen allele CA8231299.